The following is an entry in ClinVar:

NM_000321.3(RB1):c.281dup (p.Lys95fs)

Gene: RB1 (RB transcriptional corepressor 1; plus strand). Cytogenetic location: 13q14.2.
Variant type: Duplication.
Coding change: c.281dup on transcript NM_000321.3 (MANE Select); coding-DNA position 281, one base duplicated (A; older notation c.281dupA).
Protein change: p.Lys95fs; shifts the reading frame from lysine 95.
Molecular consequence: frameshift variant.
Genome position (GRCh38, 1-based): chr13:48,342,615, A duplicated; the last of 4 consecutive A bases (chr13:48,342,612-48,342,615); duplicating any one gives the same sequence. VCF-style (leftmost placement, unchanged base first): chr13-48342611-C-CA. GRCh37 (hg19) VCF-style: chr13-48916747-C-CA.
Other names: c.281dupA (NM_000321.2); short protein forms K95fs.
Identifiers: ClinVar variation 428680 (VCV000428680.3), dbSNP rs1131690862, ClinGen allele CA645369550.

ClinVar aggregate classification (germline): Pathogenic (1 of 4 stars; one submission).

Conditions:
Hereditary cancer-predisposing syndrome. Also called: Hereditary Cancer Syndrome; Neoplastic Syndromes, Hereditary; Hereditary neoplastic syndrome; Tumor predisposition. Identifiers: Orphanet 140162, MedGen C0027672, MeSH D009386, MONDO:0015356.

Submission:

Ambry Genetics
Classification: Pathogenic for Hereditary cancer-predisposing syndrome. Last evaluated: 2013-07-10. Review status: criteria provided, single submitter. Criteria: Ambry Autosomal Dominant and X-Linked criteria (10/2015). Collection method: clinical testing. Allele origin: germline. Observed: 1 variant allele.
Comment: This alteration is expected to result in loss of function by premature protein truncation or nonsense-mediatedâ€¯mRNAâ€¯decay.â€¯As such, this alteration is interpreted as a disease-causing mutation.